The following is an entry in ClinVar:

NM_031433.4(MFRP):c.914T>C (p.Leu305Pro)

Genes: C1QTNF5 (C1q and TNF related 5; minus strand), MFRP (membrane frizzled-related protein; minus strand). Cytogenetic location: 11q23.3.
Variant type: single nucleotide variant.
Coding change: c.914T>C on transcript NM_031433.4 (MANE Select); coding-DNA position 914, T replaced by C.
Protein change: p.Leu305Pro; replaces leucine 305 with proline.
Molecular consequence: missense variant. On other transcripts: 5 prime UTR variant (1).
Genome position (GRCh38, 1-based): chr11:119,344,376, A>G on the plus strand (T>C on the coding strand, the complement: MFRP is on the minus strand). VCF-style: chr11-119344376-A-G. GRCh37 (hg19) VCF-style: chr11-119215086-A-G.
Other names: c.-1723T>C (NM_015645.5); short protein forms L305P.
Identifiers: ClinVar variation 4054308 (VCV004054308.1).

ClinVar aggregate classification (germline): Uncertain significance. Review status: criteria provided, multiple submitters, no conflicts (2 of 4 stars). 2 submissions from 2 submitters: Uncertain significance (2). Last evaluated 2025-08-09.

Conditions:
Isolated microphthalmia 5. Also called: Posterior Microphthalmia with Retinitis Pigmentosa, Foveoschisis, and Optic Disc Drusen. Identifiers: Orphanet 251279, MedGen C1970236, MONDO:0012605, OMIM 611040.
Inborn genetic diseases. Identifiers: MedGen C0950123, MeSH D030342.

gnomAD v4.1: 11 of 1,613,938 alleles (0.00068%); highest among the groups gnomAD compares: Non-Finnish European, 0.00093%; no homozygotes.

Submissions (2):

Labcorp Genetics (formerly Invitae), Labcorp
Classification: Uncertain significance for Isolated microphthalmia 5. Last evaluated: 2025-08-09. Review status: criteria provided, single submitter. Criteria: Invitae Variant Classification Sherloc (09022015). Collection method: clinical testing. Allele origin: germline.
Comment: This sequence change replaces leucine, which is neutral and non-polar, with proline, which is neutral and non-polar, at codon 305 of the MFRP protein (p.Leu305Pro). This variant is not present in population databases (gnomAD no frequency). This variant has not been reported in the literature in individuals affected with MFRP-related conditions. ClinVar contains an entry for this variant (Variation ID: 4054308). Invitae Evidence Modeling of protein sequence and biophysical properties (such as structural, functional, and spatial information, amino acid conservation, physicochemical variation, residue mobility, and thermodynamic stability) indicates that this missense variant is expected to disrupt MFRP protein function with a positive predictive value of 80%. In summary, the available evidence is currently insufficient to determine the role of this variant in disease. Therefore, it has been classified as a Variant of Uncertain Significance.

Ambry Genetics
Classification: Uncertain significance for Inborn genetic diseases. Last evaluated: 2025-04-14. Review status: criteria provided, single submitter. Criteria: Ambry Variant Classification Scheme 2023. Collection method: clinical testing. Allele origin: germline.